The following is an entry in ClinVar:

ClinVar aggregate classification (germline): Uncertain significance (1 of 4 stars; one submission).

Conditions:
X-linked agammaglobulinemia with growth hormone deficiency (IGHD3). Also called: Isolated growth hormone deficiency type 3; Growth hormone deficiency with hypogammaglobulinemia; ISOLATED GROWTH HORMONE DEFICIENCY, TYPE III, WITH AGAMMAGLOBULINEMIA; AGAMMAGLOBULINEMIA AND ISOLATED GROWTH HORMONE DEFICIENCY, X-LINKED; FLEISHER SYNDROME; HYPOGAMMAGLOBULINEMIA AND ISOLATED GROWTH HORMONE DEFICIENCY, X-LINKED. Identifiers: Orphanet 231692, Orphanet 631, MedGen C0472813, MONDO:0010615, OMIM 307200.

Submission:

Labcorp Genetics (formerly Invitae), Labcorp
Classification: Uncertain significance for X-linked agammaglobulinemia with growth hormone deficiency. Last evaluated: 2023-04-25. Review status: criteria provided, single submitter. Criteria: Invitae Variant Classification Sherloc (09022015). Collection method: clinical testing. Allele origin: germline.
Comment: This sequence change falls in intron 16 of the BTK gene. It does not directly change the encoded amino acid sequence of the BTK protein. In summary, the available evidence is currently insufficient to determine the role of this variant in disease. Therefore, it has been classified as a Variant of Uncertain Significance. Algorithms developed to predict the effect of sequence changes on RNA splicing suggest that this variant may disrupt the consensus splice site. This variant has not been reported in the literature in individuals affected with BTK-related conditions. This variant is not present in population databases (gnomAD no frequency).

NM_000061.3(BTK):c.1632-11_1632-6del

Gene: BTK (Bruton tyrosine kinase; minus strand). Cytogenetic location: Xq22.1.
Variant type: Deletion.
Coding change: c.1632-11_1632-6del on transcript NM_000061.3 (MANE Select); 11 bases into the intron before coding-DNA position 1632 through 6 bases into the intron before coding-DNA position 1632, 6 bases deleted (ATCCCT; older notation c.1632-11_1632-6delATCCCT).
Molecular consequence: intron variant.
Genome position (GRCh38, 1-based): chrX:101,353,994-101,353,999, AGGGAT deleted on the plus strand (ATCCCT on the coding strand, the reverse complement: BTK is on the minus strand). VCF-style (leftmost placement, unchanged base first): chrX-101353993-AAGGGAT-A. GRCh37 (hg19) VCF-style: chrX-100608981-AAGGGAT-A.
Other names: c.1734-11_1734-6del (NM_001287344.2); c.1104-11_1104-6del (NM_001287345.2).
Identifiers: ClinVar variation 2843937 (VCV002843937.3), dbSNP rs2520535081, ClinGen allele CA2739273638.
Genomic context (GRCh38, chrX:101,353,993, plus strand): 5'-ACCGGACTGGAAATTTGGAGCCTACTGAGCTTGTGTATTCATCATCCAGGACATACCTGC[AAGGGAT>A]TCAGGACTTGTTGCATTAGGATTTGGAGGCTTGATATTTGCTTACGTTTTCTTGGCACGG-3'